The following is an entry in ClinVar:

NM_001048174.2(MUTYH):c.577G>A (p.Gly193Arg)

Gene: MUTYH (mutY DNA glycosylase; minus strand). Cytogenetic location: 1p34.1.
Variant type: single nucleotide variant.
Coding change: c.577G>A on transcript NM_001048174.2 (MANE Select); coding-DNA position 577, G replaced by A.
Protein change: p.Gly193Arg; replaces glycine 193 with arginine.
Molecular consequence: missense variant. On other transcripts: non-coding transcript variant (2).
Genome position (GRCh38, 1-based): chr1:45,332,603, C>T on the plus strand (G>A on the coding strand, the complement: MUTYH is on the minus strand). VCF-style: chr1-45332603-C-T. GRCh37 (hg19) VCF-style: chr1-45798275-C-T.
Other names: c.577G>A, p.Gly193Arg (NM_001048171.2, NM_001048173.2, NM_001293195.2 and 6 more transcripts); c.580G>A, p.Gly194Arg (NM_001048172.2, NM_001407071.1, NM_001407078.1 and 1 more transcripts); c.661G>A, p.Gly221Arg (NM_001128425.2); c.622G>A, p.Gly208Arg (NM_001293190.2); c.610G>A, p.Gly204Arg (NM_001293191.2, NM_001407069.1, NM_001407077.1); c.301G>A, p.Gly101Arg (NM_001293192.2, NM_001293196.2, NM_001407091.1); c.232G>A, p.Gly78Arg (NM_001350650.2, NM_001350651.2, NM_001407082.1); c.493G>A, p.Gly165Arg (NM_001407075.1); and 5 more; short protein forms G78R, G180R, G207R, G221R, G179R, G193R, G204R, G218R.
Identifiers: ClinVar variation 1754517 (VCV001754517.5), dbSNP rs1214428547, ClinGen allele CA340135312.

ClinVar aggregate classification (germline): Uncertain significance. Review status: criteria provided, multiple submitters, no conflicts (2 of 4 stars). 2 submissions from 2 submitters: Uncertain significance (2). Last evaluated 2025-12-18.

Conditions:
Hereditary cancer-predisposing syndrome. Also called: Hereditary Cancer Syndrome; Hereditary neoplastic syndrome; Neoplastic Syndromes, Hereditary; Tumor predisposition. Identifiers: Orphanet 140162, MedGen C0027672, MeSH D009386, MONDO:0015356.
Familial adenomatous polyposis 2. Also called: MUTYH-associated polyposis; MUTYH-related attenuated familial adenomatous polyposis; FAP type 2; Adenomas, multiple colorectal; MYH-associated polyposis; MUTYH Polyposis. Identifiers: Orphanet 220460, Orphanet 247798, MedGen C3272841, MONDO:0012041, OMIM 608456.

Allele frequency attached by ClinVar (database versions not stated): gnomAD exomes below 0.00001; TOPMed below 0.00001; gnomAD 0.00001.
gnomAD v4.1: 2 of 1,614,030 alleles (0.00012%); highest among the groups gnomAD compares: Non-Finnish European, 0.00017%; no homozygotes.

Submissions (2):

Ambry Genetics
Classification: Uncertain significance for Hereditary cancer-predisposing syndrome. Last evaluated: 2025-12-18. Review status: criteria provided, single submitter. Criteria: Ambry Variant Classification Scheme 2023. Collection method: clinical testing. Allele origin: germline.
Comment: The p.G221R variant (also known as c.661G>A), located in coding exon 8 of the MUTYH gene, results from a G to A substitution at nucleotide position 661. The glycine at codon 221 is replaced by arginine, an amino acid with dissimilar properties. In one study, this variant was detected in 0/165 colorectal cancer and/or polyposis patients and was identified in 1/2512 control individuals from a healthy population database (Rosenthal EA et al. Hum Genet, 2018 Oct;137:795-806). This variant was also reported in a study that presented a tool for assessment and prioritization of variants in exome studies (TAPES) (Xavier A et al. PLoS Comput Biol, 2019 10;15:e1007453). This amino acid position is well conserved in available vertebrate species. In addition, this alteration is predicted to be deleterious by in silico analysis. Since supporting evidence is limited at this time, the clinical significance of this alteration remains unclear.

Labcorp Genetics (formerly Invitae), Labcorp
Classification: Uncertain significance for Familial adenomatous polyposis 2. Last evaluated: 2024-04-29. Review status: criteria provided, single submitter. Criteria: Invitae Variant Classification Sherloc (09022015). Collection method: clinical testing. Allele origin: germline.
Comment: This sequence change replaces glycine, which is neutral and non-polar, with arginine, which is basic and polar, at codon 221 of the MUTYH protein (p.Gly221Arg). This variant is not present in population databases (gnomAD no frequency). This variant has not been reported in the literature in individuals affected with MUTYH-related conditions. ClinVar contains an entry for this variant (Variation ID: 1754517). Algorithms developed to predict the effect of missense changes on protein structure and function output the following: SIFT: "Not Available"; PolyPhen-2: "Probably Damaging"; Align-GVGD: "Not Available". The arginine amino acid residue is found in multiple mammalian species, which suggests that this missense change does not adversely affect protein function. Algorithms developed to predict the effect of sequence changes on RNA splicing suggest that this variant may disrupt the consensus splice site. In summary, the available evidence is currently insufficient to determine the role of this variant in disease. Therefore, it has been classified as a Variant of Uncertain Significance.

Literature cited by the submitters: PubMed 30267214 (cited by Ambry Genetics); PubMed 31613886 (cited by Ambry Genetics).